The following is an entry in ClinVar:

ClinVar aggregate classification (germline): Uncertain significance. Review status: criteria provided, multiple submitters, no conflicts (2 of 4 stars). 2 submissions from 2 submitters: Uncertain significance (2). Last evaluated 2025-05-26.

Conditions:
Hereditary cancer-predisposing syndrome. Also called: Neoplastic Syndromes, Hereditary; Hereditary Cancer Syndrome; Hereditary neoplastic syndrome; Tumor predisposition. Identifiers: Orphanet 140162, MedGen C0027672, MeSH D009386, MONDO:0015356.
Familial cancer of breast. Also called: hereditary breast carcinoma; BREAST CANCER, FAMILIAL; Hereditary breast cancer. Identifiers: Orphanet 227535, MedGen C0346153, MONDO:0016419, OMIM 114480. Disease mechanism: loss of function.
Fanconi anemia complementation group J. Also called: BRIP1-Related Fanconi Anemia. Identifiers: Orphanet 84, MedGen C1836860, MONDO:0012187, OMIM 609054.

Submissions (2):

Ambry Genetics
Classification: Uncertain significance for Hereditary cancer-predisposing syndrome. Last evaluated: 2025-05-26. Review status: criteria provided, single submitter. Criteria: Ambry Variant Classification Scheme 2023. Collection method: clinical testing. Allele origin: germline.
Comment: The p.N826K variant (also known as c.2478C>G), located in coding exon 16 of the BRIP1 gene, results from a C to G substitution at nucleotide position 2478. The asparagine at codon 826 is replaced by lysine, an amino acid with similar properties. This amino acid position is conserved. In addition, the in silico prediction for this alteration is inconclusive. Based on the available evidence, the clinical significance of this variant remains unclear.

Labcorp Genetics (formerly Invitae), Labcorp
Classification: Uncertain significance for Familial cancer of breast; Fanconi anemia complementation group J. Last evaluated: 2024-08-05. Review status: criteria provided, single submitter. Criteria: Invitae Variant Classification Sherloc (09022015). Collection method: clinical testing. Allele origin: germline.
Comment: This sequence change replaces asparagine, which is neutral and polar, with lysine, which is basic and polar, at codon 826 of the BRIP1 protein (p.Asn826Lys). This variant is not present in population databases (gnomAD no frequency). This variant has not been reported in the literature in individuals affected with BRIP1-related conditions. ClinVar contains an entry for this variant (Variation ID: 643232). Advanced modeling of protein sequence and biophysical properties (such as structural, functional, and spatial information, amino acid conservation, physicochemical variation, residue mobility, and thermodynamic stability) performed at Invitae indicates that this missense variant is expected to disrupt BRIP1 protein function with a positive predictive value of 80%. In summary, the available evidence is currently insufficient to determine the role of this variant in disease. Therefore, it has been classified as a Variant of Uncertain Significance.

NM_032043.3(BRIP1):c.2478C>G (p.Asn826Lys)

Gene: BRIP1 (BRCA1 interacting DNA helicase 1; minus strand). Cytogenetic location: 17q23.2.
Variant type: single nucleotide variant.
Coding change: c.2478C>G on transcript NM_032043.3 (MANE Select); coding-DNA position 2478, C replaced by G.
Protein change: p.Asn826Lys; replaces asparagine 826 with lysine.
Molecular consequence: missense variant.
Genome position (GRCh38, 1-based): chr17:61,715,965, G>C on the plus strand (C>G on the coding strand, the complement: BRIP1 is on the minus strand). VCF-style: chr17-61715965-G-C. GRCh37 (hg19) VCF-style: chr17-59793326-G-C.
Other names: short protein forms N826K.
Identifiers: ClinVar variation 643232 (VCV000643232.10), dbSNP rs774939280, ClinGen allele CA400479434.